The following is an entry in ClinVar:

NM_001378120.1(MBD5):c.1843G>A (p.Glu615Lys)

Gene: MBD5 (methyl-CpG binding domain protein 5; plus strand). Cytogenetic location: 2q23.1.
Variant type: single nucleotide variant.
Coding change: c.1843G>A on transcript NM_001378120.1 (MANE Select); coding-DNA position 1843, G replaced by A.
Protein change: p.Glu615Lys; replaces glutamic acid 615 with lysine.
Molecular consequence: missense variant.
Genome position (GRCh38, 1-based): chr2:148,469,786, G>A. VCF-style: chr2-148469786-G-A. GRCh37 (hg19) VCF-style: chr2-149227355-G-A.
Other names: c.1843G>A, p.Glu615Lys (NM_018328.5); short protein forms E615K.
Identifiers: ClinVar variation 3712783 (VCV003712783.2).

ClinVar aggregate classification (germline): Uncertain significance (1 of 4 stars; one submission).

Conditions:
Intellectual developmental disorder, autosomal dominant 1. Also called: MBD5 Haploinsufficiency; Intellectual disability, autosomal dominant 1. Identifiers: Orphanet 228402, MedGen C1969562, MONDO:0007974, OMIM 156200.

Submission:

Labcorp Genetics (formerly Invitae), Labcorp
Classification: Uncertain significance for Intellectual developmental disorder, autosomal dominant 1. Last evaluated: 2024-05-04. Review status: criteria provided, single submitter. Criteria: Invitae Variant Classification Sherloc (09022015). Collection method: clinical testing. Allele origin: germline.
Comment: This sequence change replaces glutamic acid, which is acidic and polar, with lysine, which is basic and polar, at codon 615 of the MBD5 protein (p.Glu615Lys). This variant is not present in population databases (gnomAD no frequency). This variant has not been reported in the literature in individuals affected with MBD5-related conditions. Advanced modeling of protein sequence and biophysical properties (such as structural, functional, and spatial information, amino acid conservation, physicochemical variation, residue mobility, and thermodynamic stability) performed at Invitae indicates that this missense variant is not expected to disrupt MBD5 protein function with a negative predictive value of 80%. In summary, the available evidence is currently insufficient to determine the role of this variant in disease. Therefore, it has been classified as a Variant of Uncertain Significance.